The following is an entry in ClinVar:

ClinVar aggregate classification (germline): Conflicting classifications of pathogenicity. Review status: criteria provided, conflicting classifications (1 of 4 stars). 2 submissions from 2 submitters: Uncertain significance (1); Likely benign (1). Last evaluated 2025-01-16.

Conditions:
PLAA-related disorder. Also called: PLAA-related condition.

Allele frequency attached by ClinVar (database versions not stated): ExAC 0.00022; 1000 Genomes Project 30x 0.00031; 1000 Genomes Project 0.00040; gnomAD 0.00056; ESP Exome Variant Server 0.00077.
gnomAD v4.1: 166 of 1,613,860 alleles (0.01%); highest among the groups gnomAD compares: African/African-American, 0.19%; no homozygotes.

Submissions (2):

PreventionGenetics, part of Exact Sciences
Classification: Likely benign for PLAA-related condition. Last evaluated: 2025-01-16. Review status: criteria provided, single submitter. Criteria: ACMG Guidelines, 2015. Collection method: clinical testing. Allele origin: germline.
Comment: This variant is classified as likely benign based on ACMG/AMP sequence variant interpretation guidelines (Richards et al. 2015 PMID: 25741868, with internal and published modifications).

Labcorp Genetics (formerly Invitae), Labcorp
Classification: Uncertain significance. Last evaluated: 2024-01-24. Review status: criteria provided, single submitter. Criteria: Invitae Variant Classification Sherloc (09022015). Collection method: clinical testing. Allele origin: germline.
Comment: This sequence change replaces aspartic acid, which is acidic and polar, with asparagine, which is neutral and polar, at codon 281 of the PLAA protein (p.Asp281Asn). This variant is present in population databases (rs138585651, gnomAD 0.2%). This variant has not been reported in the literature in individuals affected with PLAA-related conditions. ClinVar contains an entry for this variant (Variation ID: 2084894). Advanced modeling of protein sequence and biophysical properties (such as structural, functional, and spatial information, amino acid conservation, physicochemical variation, residue mobility, and thermodynamic stability) performed at Invitae indicates that this missense variant is not expected to disrupt PLAA protein function with a negative predictive value of 80%. In summary, the available evidence is currently insufficient to determine the role of this variant in disease. Therefore, it has been classified as a Variant of Uncertain Significance.

NM_001031689.3(PLAA):c.841G>A (p.Asp281Asn)

Gene: PLAA (phospholipase A2 activating protein; minus strand). Cytogenetic location: 9p21.2.
Variant type: single nucleotide variant.
Coding change: c.841G>A on transcript NM_001031689.3 (MANE Select); coding-DNA position 841, G replaced by A.
Protein change: p.Asp281Asn; replaces aspartic acid 281 with asparagine.
Molecular consequence: missense variant.
Genome position (GRCh38, 1-based): chr9:26,925,853, C>T on the plus strand (G>A on the coding strand, the complement: PLAA is on the minus strand). VCF-style: chr9-26925853-C-T. GRCh37 (hg19) VCF-style: chr9-26925851-C-T.
Other names: c.841G>A (NM_001031689.2); c.841G>A, p.Asp281Asn (NM_001321546.2); short protein forms D281N.
Identifiers: ClinVar variation 2084894 (VCV002084894.3), dbSNP rs138585651, ClinGen allele CA5014539.